The following is an entry in ClinVar:

ClinVar aggregate classification (germline): Conflicting classifications of pathogenicity. Review status: criteria provided, conflicting classifications (1 of 4 stars). 3 submissions from 3 submitters: Uncertain significance (2); Likely benign (1). Last evaluated 2025-11-15.

Conditions:
Parkinson disease 17 (PARK17). Also called: VPS35-Related Parkinson Disease. Identifiers: Orphanet 411602, MedGen C3280133, MONDO:0013625, OMIM 614203.

Allele frequency attached by ClinVar (database versions not stated): gnomAD 0.00011 and 0.00013; ExAC 0.00013; gnomAD exomes 0.00017; TOPMed 0.00023.
gnomAD v4.1: 146 of 1,611,110 alleles (0.0091%); highest among the groups gnomAD compares: Admixed American, 0.072%; 1 homozygote.

Submissions (3):

Mayo Clinic Laboratories, Mayo Clinic
Classification: Uncertain significance. Last evaluated: 2025-11-15. Review status: criteria provided, single submitter. Criteria: ACMG Guidelines, 2015. Collection method: clinical testing. Allele origin: germline. Observed: 1 variant allele.
Comment: BS2, BP4_moderate

Labcorp Genetics (formerly Invitae), Labcorp
Classification: Likely benign for Parkinson disease 17. Last evaluated: 2025-04-09. Review status: criteria provided, single submitter. Criteria: Invitae Variant Classification Sherloc (09022015). Collection method: clinical testing. Allele origin: germline.

GeneDx
Classification: Uncertain significance. Last evaluated: 2017-07-28. Review status: criteria provided, single submitter. Criteria: GeneDx Variant Classification (06012015). Collection method: clinical testing. Allele origin: germline. Affected: yes.
Comment: The A320V variant in the VPS35 gene has not been reported previously as a pathogenic variant, nor as a benign variant, to our knowledge. This variant is observed in 10/9988 (0.1%) alleles from individuals of Latino background in the ExAC dataset (Lek et al., 2016). The A320V variant is a conservative amino acid substitution, which is not likely to impact secondary protein structure as these residues share similar properties. This substitution occurs at a position that is not conserved. In silico analysis is inconsistent in its predictions as to whether or not the variant is damaging to the protein structure/function. We interpret A320V as a variant of uncertain significance.

Literature cited by the submitters: PubMed 33120894 (cited by Mayo Clinic Laboratories, Mayo Clinic); PubMed 35601613 (cited by Mayo Clinic Laboratories, Mayo Clinic).

NM_018206.6(VPS35):c.959C>T (p.Ala320Val)

Gene: VPS35 (VPS35 retromer complex component; minus strand). Cytogenetic location: 16q11.2.
Variant type: single nucleotide variant.
Coding change: c.959C>T on transcript NM_018206.6 (MANE Select); coding-DNA position 959, C replaced by T.
Protein change: p.Ala320Val; replaces alanine 320 with valine.
Molecular consequence: missense variant.
Genome position (GRCh38, 1-based): chr16:46,674,616, G>A on the plus strand (C>T on the coding strand, the complement: VPS35 is on the minus strand). VCF-style: chr16-46674616-G-A. GRCh37 (hg19) VCF-style: chr16-46708528-G-A.
Other names: p.Ala320Val; short protein forms A320V.
Identifiers: ClinVar variation 450710 (VCV000450710.11), dbSNP rs747944333, ClinGen allele CA8036918.